The following is an entry in ClinVar:

NM_014714.4(IFT140):c.2247C>T (p.His749=)

Gene: IFT140 (intraflagellar transport 140; minus strand). Cytogenetic location: 16p13.3.
Variant type: single nucleotide variant.
Coding change: c.2247C>T on transcript NM_014714.4 (MANE Select); coding-DNA position 2247, C replaced by T.
Protein change: p.His749=; no amino-acid change (histidine 749 retained).
Molecular consequence: synonymous variant.
Genome position (GRCh38, 1-based): chr16:1,558,087, G>A on the plus strand (C>T on the coding strand, the complement: IFT140 is on the minus strand). VCF-style: chr16-1558087-G-A. GRCh37 (hg19) VCF-style: chr16-1608088-G-A.
Identifiers: ClinVar variation 707059 (VCV000707059.13), dbSNP rs9930526, ClinGen allele CA7813953.
Genomic context (GRCh38, chr16:1,558,087, plus strand): 5'-GTCGCAGTCCTCCAGCCCCACAAAGTCTCGCAGGGGTCTCCTGGACACCATCTGAGGGAT[G>A]TGGTGGCACCCAGGCTCCACCTCGTCTTCTCTGTCTGCTTCTTCGGGCTAAATGACAAAG-3'
Protein context (NP_055529.2, residues 739-759): REDEVEPGCH[His749=]IPQMVSRRPL

ClinVar aggregate classification (germline): Benign. Review status: criteria provided, single submitter (1 of 4 stars). 2 submissions from 2 submitters: Benign (1). 1 of the submissions does not count toward it. Last evaluated 2026-02-01.

Conditions:
IFT140-related disorder. Also called: IFT140-related condition.
Saldino-Mainzer syndrome (SRTD9). Also called: Renal dysplasia, retinal pigmentary dystrophy, cerebellar ataxia and skeletal dysplasia; SHORT-RIB THORACIC DYSPLASIA 9 WITHOUT POLYDACTYLY; short-rib thoracic dysplasia 9 with or without polydactyly; CONORENAL SYNDROME. Identifiers: Orphanet 140969, MedGen C1849437, MONDO:0009964, OMIM 266920.

Allele frequency attached by ClinVar (database versions not stated): gnomAD exomes 0.00031 and 0.00090; ExAC 0.00100; gnomAD 0.00293 and 0.00312; TOPMed 0.00315; ESP Exome Variant Server 0.00362; 1000 Genomes Project 0.00399; 1000 Genomes Project 30x 0.00437.
gnomAD v4.1: 915 of 1,614,172 alleles (0.057%); highest among the groups gnomAD compares: African/African-American, 1%; 5 homozygotes.

Submissions (2):

Labcorp Genetics (formerly Invitae), Labcorp
Classification: Benign for Saldino-Mainzer syndrome. Last evaluated: 2026-02-01. Review status: criteria provided, single submitter. Criteria: Invitae Variant Classification Sherloc (09022015). Collection method: clinical testing. Allele origin: germline.

PreventionGenetics, part of Exact Sciences
Classification: Benign for IFT140-related condition. Last evaluated: 2019-08-02. Review status: no assertion criteria provided. Collection method: clinical testing. Allele origin: germline. Not counted in ClinVar's aggregate classification.
Comment: This variant is classified as benign based on ACMG/AMP sequence variant interpretation guidelines (Richards et al. 2015 PMID: 25741868, with internal and published modifications).